The following is an entry in ClinVar:

ClinVar aggregate classification (germline): Uncertain significance (1 of 4 stars; one submission).

Conditions:
Larsen-like syndrome, B3GAT3 type. Also called: Multiple joint dislocations, short stature, craniofacial dysmorphism, with or without congenital heart defects; MULTIPLE JOINT DISLOCATIONS, SHORT STATURE, AND CRANIOFACIAL DYSMORPHISM WITH OR WITHOUT CONGENITAL HEART DEFECTS. Identifiers: Orphanet 284139, MedGen CN034159, MONDO:0009511, OMIM 245600.

Allele frequency attached by ClinVar (database versions not stated): TOPMed 0.00001; gnomAD exomes below 0.00001; gnomAD 0.00001.
gnomAD v4.1: 2 of 1,612,218 alleles (0.00012%); highest among the groups gnomAD compares: Admixed American, 0.0033%; no homozygotes.

Submission:

Labcorp Genetics (formerly Invitae), Labcorp
Classification: Uncertain significance for Larsen-like syndrome, B3GAT3 type. Last evaluated: 2022-05-10. Review status: criteria provided, single submitter. Criteria: Invitae Variant Classification Sherloc (09022015). Collection method: clinical testing. Allele origin: germline.
Comment: Algorithms developed to predict the effect of missense changes on protein structure and function (SIFT, PolyPhen-2, Align-GVGD) all suggest that this variant is likely to be tolerated. This variant has not been reported in the literature in individuals affected with B3GAT3-related conditions. The frequency data for this variant in the population databases is considered unreliable, as metrics indicate poor data quality at this position in the gnomAD database. This sequence change replaces valine, which is neutral and non-polar, with alanine, which is neutral and non-polar, at codon 25 of the B3GAT3 protein (p.Val25Ala). Algorithms developed to predict the effect of sequence changes on RNA splicing suggest that this variant may disrupt the consensus splice site. In summary, the available evidence is currently insufficient to determine the role of this variant in disease. Therefore, it has been classified as a Variant of Uncertain Significance.

NM_012200.4(B3GAT3):c.74T>C (p.Val25Ala)

Gene: B3GAT3 (beta-1,3-glucuronyltransferase 3; minus strand). Cytogenetic location: 11q12.3.
Variant type: single nucleotide variant.
Coding change: c.74T>C on transcript NM_012200.4 (MANE Select); coding-DNA position 74, T replaced by C.
Protein change: p.Val25Ala; replaces valine 25 with alanine.
Molecular consequence: missense variant. On other transcripts: 5 prime UTR variant (1).
Genome position (GRCh38, 1-based): chr11:62,621,874, A>G on the plus strand (T>C on the coding strand, the complement: B3GAT3 is on the minus strand). VCF-style: chr11-62621874-A-G. GRCh37 (hg19) VCF-style: chr11-62389346-A-G.
Other names: c.-187T>C (NM_001288721.2); c.74T>C, p.Val25Ala (NM_001288722.2, NM_001288723.2); short protein forms V25A.
Identifiers: ClinVar variation 1899472 (VCV001899472.5), dbSNP rs1339408108, ClinGen allele CA380981762.